The following is an entry in ClinVar:

NM_001370259.2(MEN1):c.1166G>C (p.Arg389Pro)

Gene: MEN1 (menin 1; minus strand). Cytogenetic location: 11q13.1.
Variant type: single nucleotide variant.
Coding change: c.1166G>C on transcript NM_001370259.2 (MANE Select); coding-DNA position 1166, G replaced by C.
Protein change: p.Arg389Pro; replaces arginine 389 with proline.
Molecular consequence: missense variant.
Genome position (GRCh38, 1-based): chr11:64,805,654, C>G on the plus strand (G>C on the coding strand, the complement: MEN1 is on the minus strand). VCF-style: chr11-64805654-C-G. GRCh37 (hg19) VCF-style: chr11-64573126-C-G.
Other names: c.1181G>C, p.Arg394Pro (NM_000244.4, NM_130800.3, NM_130801.3 and 3 more transcripts); c.1292G>C, p.Arg431Pro (NM_001370251.2); c.1166G>C, p.Arg389Pro (NM_001370260.2, NM_001370261.2, NM_130799.3); c.1061G>C, p.Arg354Pro (NM_001370262.2, NM_001370263.2); short protein forms R389P, R394P, R354P, R431P.
Identifiers: ClinVar variation 646507 (VCV000646507.17), dbSNP rs775267651, ClinGen allele CA381182115.

ClinVar aggregate classification (germline): Conflicting classifications of pathogenicity. Review status: criteria provided, conflicting classifications (1 of 4 stars). 3 submissions from 3 submitters: Uncertain significance (2); Likely benign (1). Last evaluated 2025-12-10.

Conditions:
Multiple endocrine neoplasia, type 1 (MEN1). Also called: MEA I; MEN I; WERMER SYNDROME; Endocrine adenomatosis multiple; MEN 1. Identifiers: Orphanet 652, MedGen C0025267, MeSH D018761, MONDO:0007540, OMIM 131100.
Hereditary cancer-predisposing syndrome. Also called: Neoplastic Syndromes, Hereditary; Hereditary Cancer Syndrome; Hereditary neoplastic syndrome; Tumor predisposition. Identifiers: Orphanet 140162, MedGen C0027672, MeSH D009386, MONDO:0015356.

gnomAD v4.1: 13 of 1,613,948 alleles (0.00081%); highest among the groups gnomAD compares: Admixed American, 0.0017%; no homozygotes.

Submissions (3):

Labcorp Genetics (formerly Invitae), Labcorp
Classification: Likely benign for Multiple endocrine neoplasia, type 1. Last evaluated: 2025-12-10. Review status: criteria provided, single submitter. Criteria: Invitae Variant Classification Sherloc (09022015). Collection method: clinical testing. Allele origin: germline.

Ambry Genetics
Classification: Uncertain significance for Hereditary cancer-predisposing syndrome. Last evaluated: 2024-07-03. Review status: criteria provided, single submitter. Criteria: Ambry Variant Classification Scheme 2023. Collection method: clinical testing. Allele origin: germline.
Comment: The p.R389P variant (also known as c.1166G>C), located in coding exon 7 of the MEN1 gene, results from a G to C substitution at nucleotide position 1166. The arginine at codon 389 is replaced by proline, an amino acid with dissimilar properties. This amino acid position is well conserved in available vertebrate species. In addition, the in silico prediction for this alteration is inconclusive. Since supporting evidence is limited at this time, the clinical significance of this alteration remains unclear.

Baylor Genetics
Classification: Uncertain significance for Multiple Endocrine Neoplasia Type 1. Last evaluated: 2024-01-21. Review status: criteria provided, single submitter. Criteria: ACMG Guidelines, 2015. Collection method: clinical testing. Allele origin: unknown.